The following is an entry in ClinVar:

NM_001098486.2(SLC17A3):c.1210T>A (p.Cys404Ser)

Gene: SLC17A3 (solute carrier family 17 member 3; minus strand). Cytogenetic location: 6p22.2.
Variant type: single nucleotide variant.
Coding change: c.1210T>A on transcript NM_001098486.2 (MANE Select); coding-DNA position 1210, T replaced by A.
Protein change: p.Cys404Ser; replaces cysteine 404 with serine.
Molecular consequence: missense variant.
Genome position (GRCh38, 1-based): chr6:25,849,866, A>T on the plus strand (T>A on the coding strand, the complement: SLC17A3 is on the minus strand). VCF-style: chr6-25849866-A-T. GRCh37 (hg19) VCF-style: chr6-25850094-A-T.
Other names: c.976T>A, p.Cys326Ser (NM_006632.4); short protein forms C326S, C404S.
Identifiers: ClinVar variation 3034976 (VCV003034976.2), dbSNP rs151018667, ClinGen allele CA3662941.

ClinVar aggregate classification (germline): Benign (0 of 4 stars; one submission).

Conditions:
SLC17A3-related disorder. Also called: SLC17A3-related condition.

Allele frequency attached by ClinVar (database versions not stated): gnomAD 0.00018; TOPMed 0.00023; 1000 Genomes Project 30x 0.00125; 1000 Genomes Project 0.00140.
gnomAD v4.1: 175 of 1,614,112 alleles (0.011%); highest among the groups gnomAD compares: East Asian, 0.37%; no homozygotes.

Submission:

PreventionGenetics, part of Exact Sciences
Classification: Benign for SLC17A3-related condition. Last evaluated: 2019-08-01. Review status: no assertion criteria provided. Collection method: clinical testing. Allele origin: germline.
Comment: This variant is classified as benign based on ACMG/AMP sequence variant interpretation guidelines (Richards et al. 2015 PMID: 25741868, with internal and published modifications).